The following is an entry in ClinVar:

NM_001378454.1(ALMS1):c.4883A>G (p.Tyr1628Cys)

Gene: ALMS1 (ALMS1 centrosome and basal body associated protein; plus strand). Cytogenetic location: 2p13.1.
Variant type: single nucleotide variant.
Coding change: c.4883A>G on transcript NM_001378454.1 (MANE Select); coding-DNA position 4883, A replaced by G.
Protein change: p.Tyr1628Cys; replaces tyrosine 1628 with cysteine.
Molecular consequence: missense variant.
Genome position (GRCh38, 1-based): chr2:73,451,410, A>G. VCF-style: chr2-73451410-A-G. GRCh37 (hg19) VCF-style: chr2-73678537-A-G.
Other names: c.4886A>G, p.Tyr1629Cys (NM_015120.4); short protein forms Y1629C, Y1628C.
Identifiers: ClinVar variation 450594 (VCV000450594.9), dbSNP rs375939859, ClinGen allele CA1713782.
Genomic context (GRCh38, chr2:73,451,410, plus strand): 5'-CTGACATACCAGCAGGACCTTTAGGTTCCAGTGCACTTGGAGAGAAGCCCATTACTTTCT[A>G]CCGGCAGGCTCTGCTAGACAGTCCTCTAAATAAAGAGGTTGTGAAAGTTTCAGCTGCTCC-3'
Protein context (NP_001365383.1, residues 1618-1638): SALGEKPITF[Tyr1628Cys]RQALLDSPLN

ClinVar aggregate classification (germline): Uncertain significance. Review status: criteria provided, multiple submitters, no conflicts (2 of 4 stars). 4 submissions from 4 submitters: Uncertain significance (3). 1 of the submissions does not count toward it. Last evaluated 2024-10-16.

Conditions:
Cardiovascular phenotype. Identifiers: MedGen CN230736.
Alstrom syndrome (ALMS). Identifiers: Orphanet 64, MedGen C0268425, MONDO:0008763, OMIM 203800.

Allele frequency attached by ClinVar (database versions not stated): gnomAD exomes 0.00001 and 0.00003; ExAC 0.00002; TOPMed 0.00002; gnomAD 0.00003; ESP Exome Variant Server 0.00008.
gnomAD v4.1: 12 of 1,613,690 alleles (0.00074%); highest among the groups gnomAD compares: African/African-American, 0.0067%; no homozygotes.

Submissions (4):

Labcorp Genetics (formerly Invitae), Labcorp
Classification: Uncertain significance for Alstrom syndrome. Last evaluated: 2024-10-16. Review status: criteria provided, single submitter. Criteria: Invitae Variant Classification Sherloc (09022015). Collection method: clinical testing. Allele origin: germline.
Comment: This sequence change replaces tyrosine, which is neutral and polar, with cysteine, which is neutral and slightly polar, at codon 1629 of the ALMS1 protein (p.Tyr1629Cys). This variant is present in population databases (rs375939859, gnomAD 0.007%). This variant has not been reported in the literature in individuals affected with ALMS1-related conditions. ClinVar contains an entry for this variant (Variation ID: 450594). Experimental studies and prediction algorithms are not available or were not evaluated, and the functional significance of this variant is currently unknown. In summary, the available evidence is currently insufficient to determine the role of this variant in disease. Therefore, it has been classified as a Variant of Uncertain Significance.

GeneDx
Classification: Uncertain significance. Last evaluated: 2020-06-26. Review status: criteria provided, single submitter. Criteria: GeneDx Variant Classification Process June 2021. Collection method: clinical testing. Allele origin: germline. Affected: yes.
Comment: Not observed at a significant frequency in large population cohorts (Lek et al., 2016); In silico analysis supports that this missense variant does not alter protein structure/function; Has not been previously published as pathogenic or benign to our knowledge

Ambry Genetics
Classification: Uncertain significance for Cardiovascular phenotype. Last evaluated: 2020-03-26. Review status: criteria provided, single submitter. Criteria: Ambry Variant Classification Scheme 2023. Collection method: clinical testing. Allele origin: germline.
Comment: The p.Y1629C variant (also known as c.4886A>G), located in coding exon 8 of the ALMS1 gene, results from an A to G substitution at nucleotide position 4886. The tyrosine at codon 1629 is replaced by cysteine, an amino acid with highly dissimilar properties. This amino acid position is not well conserved in available vertebrate species. In addition, this alteration is predicted to be tolerated by in silico analysis. Since supporting evidence is limited at this time, the clinical significance of this alteration remains unclear.

Natera, Inc.
Classification: Uncertain significance for Alstrom syndrome. Last evaluated: 2021-07-06. Review status: no assertion criteria provided. Collection method: clinical testing. Allele origin: germline. Not counted in ClinVar's aggregate classification.